The following is an entry in ClinVar:

NM_004525.3(LRP2):c.6891G>T (p.Leu2297Phe)

Gene: LRP2 (LDL receptor related protein 2; minus strand). Cytogenetic location: 2q31.1.
Variant type: single nucleotide variant.
Coding change: c.6891G>T on transcript NM_004525.3 (MANE Select); coding-DNA position 6891, G replaced by T.
Protein change: p.Leu2297Phe; replaces leucine 2297 with phenylalanine.
Molecular consequence: missense variant.
Genome position (GRCh38, 1-based): chr2:169,206,829, C>A on the plus strand (G>T on the coding strand, the complement: LRP2 is on the minus strand). VCF-style: chr2-169206829-C-A. GRCh37 (hg19) VCF-style: chr2-170063339-C-A.
Other names: c.6891G>T (NM_004525.2); short protein forms L2297F.
Identifiers: ClinVar variation 1498836 (VCV001498836.4), dbSNP rs143893803, ClinGen allele CA1954200.

ClinVar aggregate classification (germline): Uncertain significance. Review status: criteria provided, multiple submitters, no conflicts (2 of 4 stars). 2 submissions from 2 submitters: Uncertain significance (2). Last evaluated 2025-02-05.

Conditions:
Inborn genetic diseases. Identifiers: MedGen C0950123, MeSH D030342.

Allele frequency attached by ClinVar (database versions not stated): ExAC 0.00001; gnomAD exomes 0.00001 and 0.00002; TOPMed 0.00001; ESP Exome Variant Server 0.00008.
gnomAD v4.1: 12 of 1,614,136 alleles (0.00074%); highest among the groups gnomAD compares: Non-Finnish European, 0.001%; no homozygotes.

Submissions (2):

Ambry Genetics
Classification: Uncertain significance for Inborn genetic diseases. Last evaluated: 2025-02-05. Review status: criteria provided, single submitter. Criteria: Ambry Variant Classification Scheme 2023. Collection method: clinical testing. Allele origin: germline.

Labcorp Genetics (formerly Invitae), Labcorp
Classification: Uncertain significance. Last evaluated: 2022-09-27. Review status: criteria provided, single submitter. Criteria: Invitae Variant Classification Sherloc (09022015). Collection method: clinical testing. Allele origin: germline.
Comment: This sequence change replaces leucine, which is neutral and non-polar, with phenylalanine, which is neutral and non-polar, at codon 2297 of the LRP2 protein (p.Leu2297Phe). This variant is present in population databases (rs143893803, gnomAD 0.005%). This variant has not been reported in the literature in individuals affected with LRP2-related conditions. ClinVar contains an entry for this variant (Variation ID: 1498836). Advanced modeling of protein sequence and biophysical properties (such as structural, functional, and spatial information, amino acid conservation, physicochemical variation, residue mobility, and thermodynamic stability) performed at Invitae indicates that this missense variant is expected to disrupt LRP2 protein function. In summary, the available evidence is currently insufficient to determine the role of this variant in disease. Therefore, it has been classified as a Variant of Uncertain Significance.